The following is an entry in ClinVar:

ClinVar aggregate classification (germline): Uncertain significance. Review status: criteria provided, multiple submitters, no conflicts (2 of 4 stars). 3 submissions from 3 submitters: Uncertain significance (3). Last evaluated 2024-09-17.

Conditions:
NEFH-related disorder. Also called: NEFH-related condition.

Allele frequency attached by ClinVar (database versions not stated): gnomAD 0.00001; TOPMed 0.00001; gnomAD exomes 0.00002.

Submissions (3):

Women's Health and Genetics/Laboratory Corporation of America, LabCorp
Classification: Uncertain significance. Last evaluated: 2024-09-17. Review status: criteria provided, single submitter. Criteria: LabCorp Variant Classification Summary - May 2015. Collection method: clinical testing. Allele origin: germline.
Comment: Variant summary: NEFH c.583G>A (p.Ala195Thr) results in a non-conservative amino acid change located in the Intermediate filament, rod domain (IPR039008) of the encoded protein sequence. Four of five in-silico tools predict a benign effect of the variant on protein function. The variant allele was found at a frequency of 2.1e-05 in 1394470 control chromosomes (gnomAD database v4). This frequency is not significantly higher than estimated for a pathogenic variant in NEFH causing Charcot-Marie Tooth Disease, Axonal, Type 2CC, allowing no conclusion about variant significance. To our knowledge, no occurrence of c.583G>A in individuals affected with Charcot-Marie Tooth Disease, Axonal, Type 2CC and no experimental evidence demonstrating its impact on protein function have been reported. ClinVar contains an entry for this variant (Variation ID: 2635002). Based on the evidence outlined above, the variant was classified as uncertain significance.

Labcorp Genetics (formerly Invitae), Labcorp
Classification: Uncertain significance. Last evaluated: 2023-04-25. Review status: criteria provided, single submitter. Criteria: Invitae Variant Classification Sherloc (09022015). Collection method: clinical testing. Allele origin: germline.
Comment: In summary, the available evidence is currently insufficient to determine the role of this variant in disease. Therefore, it has been classified as a Variant of Uncertain Significance. Advanced modeling of protein sequence and biophysical properties (such as structural, functional, and spatial information, amino acid conservation, physicochemical variation, residue mobility, and thermodynamic stability) performed at Invitae indicates that this missense variant is not expected to disrupt NEFH protein function. This variant has not been reported in the literature in individuals affected with NEFH-related conditions. This variant is present in population databases (no rsID available, gnomAD 0.009%). This sequence change replaces alanine, which is neutral and non-polar, with threonine, which is neutral and polar, at codon 195 of the NEFH protein (p.Ala195Thr).

PreventionGenetics, part of Exact Sciences
Classification: Uncertain significance for NEFH-related condition. Last evaluated: 2022-12-05. Review status: criteria provided, single submitter. Criteria: ACMG Guidelines, 2015. Collection method: clinical testing. Allele origin: germline.
Comment: The NEFH c.583G>A variant is predicted to result in the amino acid substitution p.Ala195Thr. To our knowledge, this variant has not been reported in the literature. This variant is reported in 0.0092% of alleles in individuals of European (Non-Finnish) descent in gnomAD. At this time, the clinical significance of this variant is uncertain due to the absence of conclusive functional and genetic evidence.

NM_021076.4(NEFH):c.583G>A (p.Ala195Thr)

Gene: NEFH (neurofilament heavy chain; plus strand). Cytogenetic location: 22q12.2.
Variant type: single nucleotide variant.
Coding change: c.583G>A on transcript NM_021076.4 (MANE Select); coding-DNA position 583, G replaced by A.
Protein change: p.Ala195Thr; replaces alanine 195 with threonine.
Molecular consequence: missense variant.
Genome position (GRCh38, 1-based): chr22:29,480,845, G>A. VCF-style: chr22-29480845-G-A. GRCh37 (hg19) VCF-style: chr22-29876834-G-A.
Other names: short protein forms A195T.
Identifiers: ClinVar variation 2635002 (VCV002635002.5), dbSNP rs1273011909, ClinGen allele CA411123264.
Genomic context (GRCh38, chr22:29,480,845, plus strand): 5'-CTCGAGGACATCGCGCACGTGCGCCAGCGCCTAGACGACGAGGCCCGGCAGCGAGAGGAG[G>A]CCGAGGCGGCGGCCCGCGCGCTGGCGCGCTTCGCGCAGGAGGCCGAGGCGGCGCGCGTGG-3'
Protein context (NP_066554.2, residues 185-205): LDDEARQREE[Ala195Thr]EAAARALARF